The following is an entry in ClinVar:

NM_018249.6(CDK5RAP2):c.4164_4165del (p.Asn1388fs)

Gene: CDK5RAP2 (CDK5 regulatory subunit associated protein 2; minus strand). Cytogenetic location: 9q33.2.
Variant type: Deletion.
Coding change: c.4164_4165del on transcript NM_018249.6 (MANE Select); coding-DNA positions 4164 to 4165, 2 bases deleted (CA; older notation c.4164_4165delCA).
Protein change: p.Asn1388fs; shifts the reading frame from asparagine 1388.
Molecular consequence: frameshift variant. On other transcripts: non-coding transcript variant (5).
Genome position (GRCh38, 1-based): chr9:120,419,800-120,419,801, TG deleted on the plus strand (CA on the coding strand, the reverse complement: CDK5RAP2 is on the minus strand); deleting any 2 consecutive bases within chr9:120,419,800-120,419,802 gives the same sequence; the c. name uses the placement nearest the transcript's 3' end. VCF-style (leftmost placement, unchanged base first): chr9-120419799-CTG-C. GRCh37 (hg19) VCF-style: chr9-123182077-CTG-C.
Other names: c.4068_4069del, p.Asn1356fs (NM_001410993.1); c.4164_4165del, p.Asn1388fs (NM_001011649.3); c.3474_3475del, p.Asn1158fs (NM_001272039.2); c.4065_4066del, p.Asn1355fs (NM_001410992.1); c.4161_4162del, p.Asn1387fs (NM_001410994.1); short protein forms N1158fs, N1388fs, N1355fs, N1356fs, N1387fs.
Identifiers: ClinVar variation 3687961 (VCV003687961.2).

ClinVar aggregate classification (germline): Pathogenic (1 of 4 stars; one submission).

Submission:

Labcorp Genetics (formerly Invitae), Labcorp
Classification: Pathogenic. Last evaluated: 2024-02-07. Review status: criteria provided, single submitter. Criteria: Invitae Variant Classification Sherloc (09022015). Collection method: clinical testing. Allele origin: germline.
Comment: This sequence change creates a premature translational stop signal (p.Asn1388Lysfs*26) in the CDK5RAP2 gene. It is expected to result in an absent or disrupted protein product. Loss-of-function variants in CDK5RAP2 are known to be pathogenic (PMID: 15793586, 20460369, 26436113). This variant is not present in population databases (gnomAD no frequency). This variant has not been reported in the literature in individuals affected with CDK5RAP2-related conditions. For these reasons, this variant has been classified as Pathogenic.

Literature cited by the submitters: PubMed 15793586; PubMed 20460369; PubMed 26436113.